The following continues an entry in ClinVar:

NM_020937.4(FANCM):c.5791C>T (p.Arg1931Ter)

Gene: FANCM. ClinVar aggregate classification (germline): Pathogenic/Likely pathogenic. Pathogenic (10); Likely pathogenic (7).

Submissions 11 to 21 of 21:

Quest Diagnostics Nichols Institute San Juan Capistrano
Classification: Pathogenic. Last evaluated: 2021-12-30. Review status: criteria provided, single submitter. Criteria: Quest Diagnostics criteria. Collection method: clinical testing. Allele origin: unknown.
Comment: This nonsense variant has been experimentally shown to induce aberrant splicing, which results in the skipping of FANCM exon 22 and the premature termination of FANCM protein synthesis (PMID: 26130695 (2015)). In the published literature, it has been reported in individuals with breast, ovarian, colorectal cancer, melanoma, and in healthy controls (PMIDs: 33471991 (2021), 34117267 (2021), 32235514 (2020), 31991861 (2020), 33118316 (2020), 30426508 (2018), 28591191 (2017), 23409019 (2013)). Several case-control studies characterized this variant as a low penetrance, moderate-risk allele associated with certain subtypes of breast cancer (PMIDs: 31700994 (2019), 28702895 (2017), 26130695 (2015)). Individuals homozygous for this variant presented with breast cancer or azoospermia, but not Fanconi anemia (PMIDs: 28837162 (2018), 30075111 (2018)). In addition, cell line-based functional studies indicated the variant has deleterious effects on cell survival, DNA repair, and chromosome fragility (PMIDs: 31700994 (2019), 26130695 (2015), 23932590 (2013)). Due to possible founder effects, this variant is enriched in the general European/Finnish population. Based on the available information, this variant is classified as a pathogenic variant with reduced penetrance.

Laboratorio de Genetica e Diagnostico Molecular, Hospital Israelita Albert Einstein
Classification: Pathogenic for Hereditary nonpolyposis colorectal carcinoma. Last evaluated: 2021-07-13. Review status: criteria provided, single submitter. Criteria: ACMG Guidelines, 2015. Collection method: clinical testing. Allele origin: germline. Affected: yes.
Comment: ACMG classification criteria: PVS1 very strong, PM1 moderate, PM3 supporting

Division of Medical Genetics, University of Washington
Classification: Pathogenic for Familial cancer of breast. Last evaluated: 2019-04-10. Review status: criteria provided, single submitter. Criteria: ACMG Guidelines, 2015. Collection method: clinical testing. Allele origin: germline. Affected: no. Study: CSER_CHARM.
Comment: The p.Arg1931* variant is a pathogenic, low penetrance variant in the FANCM gene which is associated with an increased risk to develop breast cancer (PMID: 23409019, 26130695, 28033443). Individuals with the p.Arg1931* variant have an odds ratio of approximately 2-4 for breast cancer (PMID: 26130695, 28033443). This variant results in the deletion of exon 22 from the FANCM protein (PMID: 26130695). This variant occurs at a frequency higher than expected for a fully penetrant pathogenic variant. It has been observed 286 times according to the gnomAD database. Based on the data available at this time, the p.Arg1931* variant is considered to be a pathogenic, low penetrance variant associated with an increased risk for breast cancer.

St. Jude Molecular Pathology, St. Jude Children's Research Hospital
Classification: Pathogenic for Malignant germ cell tumor of ovary. Last evaluated: 2018-06-12. Review status: criteria provided, single submitter. Criteria: ACMG Guidelines, 2015. Collection method: clinical testing. Allele origin: germline. Affected: yes.
Comment: This is a nonsense alteration in which a C is replaced by a T at coding nucleotide 5791 and is predicted to change an Arginine to a premature stop codon at amino acid codon 1931. Classification criteria: PVS1, PS3.

Baylor Genetics
Classification: Pathogenic for Spermatogenic failure 28. Review status: criteria provided, single submitter. Criteria: ACMG Guidelines, 2015. Collection method: clinical testing. Allele origin: unknown. Study: CSER-TexasKidsCanSeq.

Juno Genomics, Hangzhou Juno Genomics, Inc
Classification: Likely pathogenic for Premature ovarian failure 15; Spermatogenic failure 28. Review status: criteria provided, single submitter. Criteria: ACMG Guidelines, 2015. Collection method: clinical testing. Allele origin: germline.
Comment: Well-established in vitro or in vivo functional studies supportive of a damaging effect on the gene or gene product.;The prevalence of the variant in affected individuals is significantly increased compared to the prevalence in controls.

University Health Network, Familial Cancer Clinic, Princess Margaret Cancer Centre
Classification: Pathogenic for FANCM Fanconi-like genomic instability disorder. Review status: criteria provided, single submitter. Criteria: ACMG Guidelines, 2015. Collection method: clinical testing. Allele origin: germline. Inheritance: Autosomal recessive inheritance. Affected: yes. Observed: 1 variant allele.

OMIM
Classification: Pathogenic for SPERMATOGENIC FAILURE 28. Last evaluated: 2024-07-23. Review status: no assertion criteria provided. Collection method: literature only. Allele origin: germline. Not counted in ClinVar's aggregate classification.

OMIM
Classification: Pathogenic for PREMATURE OVARIAN FAILURE 15. Last evaluated: 2024-07-23. Review status: no assertion criteria provided. Collection method: literature only. Allele origin: germline. Not counted in ClinVar's aggregate classification.

Genetics of Infertility and Preimplantation Genetic Diagnosis, Centre Hospitalier Universitaire Grenoble Alpes
Classification: Pathogenic for Azoospermia. Last evaluated: 2021-12-20. Review status: no assertion criteria provided. Collection method: case-control. Allele origin: biparental. Affected: yes. Not counted in ClinVar's aggregate classification.

Genetic Services Laboratory, University of Chicago
Classification: Uncertain significance. Last evaluated: 2020-01-10. Review status: flagged submission. Criteria: ACMG Guidelines, 2015. Collection method: clinical testing. Allele origin: germline. Affected: no. Not counted in ClinVar's aggregate classification.
Comment: DNA sequence analysis of the FANCM gene demonstrated a sequence change, c.5791C>T, which results in the creation of a premature stop codon at amino acid position 1931, p.Arg1931*. This sequence change has been described in the gnomAD database with the relatively high population frequency of 0.46% in European populations (dbSNP rs144567652). The p.Arg1931* change is predicted to result in an abnormal transcript, which may be degraded, or may lead to the production of a truncated FANCM protein with potentially abnormal function. This sequence change has previously been described in patients with breast, pancreatic, ovarian, and colorectal cancer, although the statistical significance of some of these findings remain uncertain (PMIDs: 28702895, 28837162, 26822949, 30426508, 23409019, 28687971, 28591191, 30267214, 23585368). In another case control study of male breast cancer, the p.Arg1931* change was only identified in unaffected male controls (PMID: 29287190). Functional analyses demonstrate that the p.Arg1931* change does not appear to rescue DNA repair-associated phenotypes in a FANCM-deficient mouse fibroblast line (PMID: 26130695). Due to these contrasting evidences, the clinical significance of the p.Arg1931* change remains unknown at this time.
ClinVar note: Reason: Outlier claim with insufficient supporting evidence

Literature cited by the submitters: PubMed 26130695 (cited by Labcorp Genetics (formerly Invitae), Labcorp and Quest Diagnostics Nichols Institute San Juan Capistrano); PubMed 28702895 (cited by Labcorp Genetics (formerly Invitae), Labcorp and Quest Diagnostics Nichols Institute San Juan Capistrano); PubMed 28837162 (cited by Labcorp Genetics (formerly Invitae), Labcorp and Quest Diagnostics Nichols Institute San Juan Capistrano); PubMed 30075111 (cited by 3 submitters); PubMed 17289582 (cited by Labcorp Genetics (formerly Invitae), Labcorp); PubMed 23932590 (cited by Labcorp Genetics (formerly Invitae), Labcorp and Quest Diagnostics Nichols Institute San Juan Capistrano); PubMed 18174376 (cited by Labcorp Genetics (formerly Invitae), Labcorp); PubMed 19379763 (cited by Labcorp Genetics (formerly Invitae), Labcorp); PubMed 24003026 (cited by Labcorp Genetics (formerly Invitae), Labcorp and Quest Diagnostics Nichols Institute San Juan Capistrano); PubMed 30927251 (cited by Quest Diagnostics Nichols Institute San Juan Capistrano); PubMed 31700994 (cited by Quest Diagnostics Nichols Institute San Juan Capistrano); PubMed 33471991 (cited by Quest Diagnostics Nichols Institute San Juan Capistrano); PubMed 23409019 (cited by Quest Diagnostics Nichols Institute San Juan Capistrano); PubMed 32235514 (cited by Quest Diagnostics Nichols Institute San Juan Capistrano); PubMed 31991861 (cited by Quest Diagnostics Nichols Institute San Juan Capistrano); PubMed 34117267 (cited by Quest Diagnostics Nichols Institute San Juan Capistrano); PubMed 30426508 (cited by Quest Diagnostics Nichols Institute San Juan Capistrano); PubMed 28591191 (cited by Quest Diagnostics Nichols Institute San Juan Capistrano); PubMed 29287190 (cited by Quest Diagnostics Nichols Institute San Juan Capistrano); PubMed 33118316 (cited by Quest Diagnostics Nichols Institute San Juan Capistrano); PubMed 33036707 (cited by OMIM).